The following is an entry in ClinVar:

NM_001009944.3(PKD1):c.8281C>T (p.Arg2761Cys)

Gene: PKD1 (polycystin 1, transient receptor potential channel interacting; minus strand). Cytogenetic location: 16p13.3.
Variant type: single nucleotide variant.
Coding change: c.8281C>T on transcript NM_001009944.3 (MANE Select); coding-DNA position 8281, C replaced by T.
Protein change: p.Arg2761Cys; replaces arginine 2761 with cysteine.
Molecular consequence: missense variant.
Genome position (GRCh38, 1-based): chr16:2,103,776, G>A on the plus strand (C>T on the coding strand, the complement: PKD1 is on the minus strand). VCF-style: chr16-2103776-G-A. GRCh37 (hg19) VCF-style: chr16-2153777-G-A.
Other names: c.8281C>T, p.Arg2761Cys (NM_000296.4); short protein forms R2761C.
Identifiers: ClinVar variation 2376122 (VCV002376122.20), dbSNP rs138256927, ClinGen allele CA7830580.

ClinVar aggregate classification (germline): Conflicting classifications of pathogenicity. Review status: criteria provided, conflicting classifications (1 of 4 stars). 5 submissions from 5 submitters: Uncertain significance (3); Likely benign (1). 1 of the submissions does not count toward it. Last evaluated 2025-07-22.

Conditions:
Inborn genetic diseases. Identifiers: MedGen C0950123, MeSH D030342.
PKD1-related disorder. Also called: PKD1-related condition.

Allele frequency attached by ClinVar (database versions not stated): gnomAD 0.00021; TOPMed 0.00025; ExAC 0.00030; ESP Exome Variant Server 0.00077.

Submissions (5):

GeneDx
Classification: Uncertain significance. Last evaluated: 2025-07-22. Review status: criteria provided, single submitter. Criteria: GeneDx Variant Classification Process June 2021. Collection method: clinical testing. Allele origin: germline.
Comment: Observed in the heterozygous state or with a second PKD1 variant of uncertain significance in unrelated patients with kidney cysts or anomalies referred for genetic testing at GeneDx and reported in the published literature, but it is not known whether the variants occurred on the same (in cis) or on different (in trans) chromosomes in some cases (PMID: 24611717); In silico analysis supports that this missense variant has a deleterious effect on protein structure/function; This variant is associated with the following publications: (PMID: 24611717)

CeGaT Center for Human Genetics Tuebingen
Classification: Uncertain significance. Last evaluated: 2024-11-01. Review status: criteria provided, single submitter. Criteria: CeGaT Center For Human Genetics Tuebingen Variant Classification Criteria Version 2. Collection method: clinical testing. Allele origin: germline. Affected: yes. Observed: 1 variant allele.
Comment: PKD1: PM2:Supporting, BP4

Women's Health and Genetics/Laboratory Corporation of America, LabCorp
Classification: Uncertain significance. Last evaluated: 2024-04-30. Review status: criteria provided, single submitter. Criteria: LabCorp Variant Classification Summary - May 2015. Collection method: clinical testing. Allele origin: germline.
Comment: Variant summary: PKD1 c.8281C>T (p.Arg2761Cys) results in a non-conservative amino acid change located in the REJ domain (IPR014010) of the encoded protein sequence. Three of five in-silico tools predict a benign effect of the variant on protein function. The variant allele was found at a frequency of 0.00021 in 247570 control chromosomes. This frequency is not significantly higher than estimated for a pathogenic variant in PKD1 causing Polycystic Kidney Disease 1 (0.00021 vs 0.0005), allowing no conclusion about variant significance. c.8281C>T has been reported in the literature in an individual affected with Polycystic Kidney Disease who also had a second variant of uncertain significance in PKD1 (Kurashige_2015). These data do not allow any conclusion about variant significance. To our knowledge, no experimental evidence demonstrating an impact on protein function has been reported. The following publication has been ascertained in the context of this evaluation (PMID: 24611717). ClinVar contains an entry for this variant (Variation ID: 2376122). Based on the evidence outlined above, the variant was classified as uncertain significance.

Ambry Genetics
Classification: Likely benign for Inborn genetic diseases. Last evaluated: 2021-09-16. Review status: criteria provided, single submitter. Criteria: Ambry Variant Classification Scheme 2023. Collection method: clinical testing. Allele origin: germline.

PreventionGenetics, part of Exact Sciences
Classification: Likely benign for PKD1-related condition. Last evaluated: 2024-09-04. Review status: no assertion criteria provided. Collection method: clinical testing. Allele origin: germline. Not counted in ClinVar's aggregate classification.
Comment: This variant is classified as likely benign based on ACMG/AMP sequence variant interpretation guidelines (Richards et al. 2015 PMID: 25741868, with internal and published modifications).

Literature cited by the submitters: PubMed 24611717 (cited by Women's Health and Genetics/Laboratory Corporation of America, LabCorp).